The following is an entry in ClinVar:

ClinVar aggregate classification (germline): Likely pathogenic (1 of 4 stars; one submission).

Allele frequency attached by ClinVar (database versions not stated): ExAC 0.00001; 1000 Genomes Project 30x 0.00016; 1000 Genomes Project 0.00020.

Submission:

Labcorp Genetics (formerly Invitae), Labcorp
Classification: Likely pathogenic. Last evaluated: 2023-09-17. Review status: criteria provided, single submitter. Criteria: Invitae Variant Classification Sherloc (09022015). Collection method: clinical testing. Allele origin: germline.
Comment: In summary, the currently available evidence indicates that the variant is pathogenic, but additional data are needed to prove that conclusively. Therefore, this variant has been classified as Likely Pathogenic. Algorithms developed to predict the effect of sequence changes on RNA splicing suggest that this variant may disrupt the consensus splice site. This variant has not been reported in the literature in individuals affected with TMPRSS15-related conditions. This variant is present in population databases (rs543669116, gnomAD 0.003%). This sequence change affects a donor splice site in intron 4 of the TMPRSS15 gene. It is expected to disrupt RNA splicing. Variants that disrupt the donor or acceptor splice site typically lead to a loss of protein function (PMID: 16199547), and loss-of-function variants in TMPRSS15 are known to be pathogenic (PMID: 11719902).

Literature cited by the submitters: PubMed 16199547; PubMed 11719902.

NM_002772.3(TMPRSS15):c.496+2T>C

Gene: TMPRSS15 (transmembrane serine protease 15; minus strand). Cytogenetic location: 21q21.1.
Variant type: single nucleotide variant.
Coding change: c.496+2T>C on transcript NM_002772.3 (MANE Select); the canonical splice donor site of the intron after coding-DNA position 496, T replaced by C.
Molecular consequence: splice donor variant.
Genome position (GRCh38, 1-based): chr21:18,383,625, A>G on the plus strand (T>C on the coding strand, the complement: TMPRSS15 is on the minus strand). VCF-style: chr21-18383625-A-G. GRCh37 (hg19) VCF-style: chr21-19755942-A-G.
Identifiers: ClinVar variation 2701041 (VCV002701041.3), dbSNP rs543669116, ClinGen allele CA9984746.